The following is an entry in ClinVar:

NM_144997.7(FLCN):c.339C>T (p.Ser113=)

Gene: FLCN (folliculin; minus strand). Cytogenetic location: 17p11.2.
Variant type: single nucleotide variant.
Coding change: c.339C>T on transcript NM_144997.7 (MANE Select); coding-DNA position 339, C replaced by T.
Protein change: p.Ser113=; no amino-acid change (serine 113 retained).
Molecular consequence: synonymous variant.
Genome position (GRCh38, 1-based): chr17:17,226,233, G>A on the plus strand (C>T on the coding strand, the complement: FLCN is on the minus strand). VCF-style: chr17-17226233-G-A. GRCh37 (hg19) VCF-style: chr17-17129547-G-A.
Other names: c.339C>T, p.Ser113= (NM_001353229.2, NM_001353230.2, NM_001353231.2 and 1 more transcripts).
Identifiers: ClinVar variation 1121674 (VCV001121674.10), dbSNP rs1350727957, ClinGen allele CA498167681.

ClinVar aggregate classification (germline): Benign/Likely benign. Review status: criteria provided, multiple submitters, no conflicts (2 of 4 stars). 3 submissions from 3 submitters: Benign (1); Likely benign (2). Last evaluated 2025-01-29.

Conditions:
Hereditary cancer-predisposing syndrome. Also called: Neoplastic Syndromes, Hereditary; Hereditary Cancer Syndrome; Hereditary neoplastic syndrome; Tumor predisposition. Identifiers: Orphanet 140162, MedGen C0027672, MeSH D009386, MONDO:0015356.
Birt-Hogg-Dube syndrome. Also called: Birt Hogg Dubé syndrome. Identifiers: Orphanet 122, MedGen C0346010, MONDO:0800444.
Birt-Hogg-Dube syndrome 1 (BHD1). Also called: FIBROFOLLICULOMAS WITH TRICHODISCOMAS AND ACROCHORDONS. Identifiers: Orphanet 122, MedGen CN375946, MONDO:0800445, OMIM 135150.

Allele frequency attached by ClinVar (database versions not stated): gnomAD exomes below 0.00001; gnomAD 0.00001.
gnomAD v4.1: 2 of 1,614,046 alleles (0.00012%); highest among the groups gnomAD compares: African/African-American, 0.0013%; no homozygotes.

Submissions (3):

Labcorp Genetics (formerly Invitae), Labcorp
Classification: Likely benign for Birt-Hogg-Dube syndrome. Last evaluated: 2025-01-29. Review status: criteria provided, single submitter. Criteria: Invitae Variant Classification Sherloc (09022015). Collection method: clinical testing. Allele origin: germline.

Myriad Genetics, Inc.
Classification: Benign for Birt-Hogg-Dube syndrome 1. Last evaluated: 2024-10-22. Review status: criteria provided, single submitter. Criteria: Myriad Autosomal Dominant, Autosomal Recessive and X-Linked Classification Criteria (2023). Collection method: clinical testing. Allele origin: unknown.
Comment: This variant is considered benign. This variant is a silent/synonymous amino acid change and it is not expected to impact splicing.

Ambry Genetics
Classification: Likely benign for Hereditary cancer-predisposing syndrome. Last evaluated: 2021-03-25. Review status: criteria provided, single submitter. Criteria: Ambry Variant Classification Scheme 2023. Collection method: clinical testing. Allele origin: germline.